The following is an entry in ClinVar:

NM_000257.4(MYH7):c.4019G>T (p.Cys1340Phe)

Gene: MYH7 (myosin heavy chain 7; minus strand). Cytogenetic location: 14q11.2.
Variant type: single nucleotide variant.
Coding change: c.4019G>T on transcript NM_000257.4 (MANE Select); coding-DNA position 4019, G replaced by T.
Protein change: p.Cys1340Phe; replaces cysteine 1340 with phenylalanine.
Molecular consequence: missense variant.
Genome position (GRCh38, 1-based): chr14:23,418,360, C>A on the plus strand (G>T on the coding strand, the complement: MYH7 is on the minus strand). VCF-style: chr14-23418360-C-A. GRCh37 (hg19) VCF-style: chr14-23887569-C-A.
Other names: short protein forms C1340F.
Identifiers: ClinVar variation 1379164 (VCV001379164.6), dbSNP rs2138649054, ClinGen allele CA389041204.
Genomic context (GRCh38, chr14:23,418,360, plus strand): 5'-ACGCGCTGCAGCTCGGCCTTGGCCTCCGTCTCCTCCTCGTACTGCTCCCGCAGCAGGTCG[C>A]AGTCATGCCGGGCCGACTGCAGTGCGTGGGCCAGGGCGTTCTTCGCCTGGGGAGGGGTGG-3'
Protein context (NP_000248.2, residues 1330-1350): AHALQSARHD[Cys1340Phe]DLLREQYEEE

ClinVar aggregate classification (germline): Uncertain significance (1 of 4 stars; one submission).

Conditions:
Hypertrophic cardiomyopathy. Also called: HYPERTROPHIC MYOCARDIOPATHY. Identifiers: Orphanet 217569, MedGen C0007194, MeSH D002312, MONDO:0005045, HP:0001639.

Submission:

Labcorp Genetics (formerly Invitae), Labcorp
Classification: Uncertain significance for Hypertrophic cardiomyopathy. Last evaluated: 2021-09-02. Review status: criteria provided, single submitter. Criteria: Invitae Variant Classification Sherloc (09022015). Collection method: clinical testing. Allele origin: germline.
Comment: In summary, the available evidence is currently insufficient to determine the role of this variant in disease. Therefore, it has been classified as a Variant of Uncertain Significance. This sequence change replaces cysteine with phenylalanine at codon 1340 of the MYH7 protein (p.Cys1340Phe). The cysteine residue is highly conserved and there is a large physicochemical difference between cysteine and phenylalanine. This variant is not present in population databases (ExAC no frequency). This missense change has been observed in individual(s) with clinical features of autosomal dominant MYH7-related conditions (Invitae). Algorithms developed to predict the effect of missense changes on protein structure and function are either unavailable or do not agree on the potential impact of this missense change (SIFT: "Deleterious"; PolyPhen-2: "Probably Damaging"; Align-GVGD: "Class C0").